The following is an entry in ClinVar:

ClinVar aggregate classification (germline): Conflicting classifications of pathogenicity. Review status: criteria provided, conflicting classifications (1 of 4 stars). 10 submissions from 10 submitters: Pathogenic (4); Likely pathogenic (5); Uncertain significance (1). Last evaluated 2026-01-21.

Conditions:
Tyrosinemia type I (TYRSN1). Also called: HEPATORENAL TYROSINEMIA; Tyrosinemia type 1; Fumarylacetoacetase deficiency; Deficiency of fumarylacetoacetase; FAH DEFICIENCY. Identifiers: Orphanet 882, MedGen C0268490, MONDO:0010161, OMIM 276700. Disease mechanism: loss of function.

Allele frequency attached by ClinVar (database versions not stated): gnomAD exomes 0.00001; gnomAD 0.00001 and 0.00002; TOPMed 0.00002.
gnomAD v4.1: 18 of 1,614,020 alleles (0.0011%); highest among the groups gnomAD compares: East Asian, 0.0045%; no homozygotes.

Submissions (10):

Natera, Inc.
Classification: Likely pathogenic for Tyrosinemia type I. Last evaluated: 2026-01-21. Review status: criteria provided, single submitter. Criteria: Natera Variant Classification Schema (03/2026). Collection method: clinical testing. Allele origin: germline.
Comment: The c.1210G>A variant in FAH is a missense variant predicted to cause substitution of glycine to serine at amino acid 404. This variant is rare in the general population with a frequency below the threshold expected for the associated phenotype(s). This variant has been observed in one or more individuals affected with the associated recessive disease, as either homozygous or compound heterozygous with a second variant (PMID: 37688338, 27814443). This variant has been identified in one or more affected individual with a phenotype highly consistent with the associated gene (PMID: 37688338). Computational prediction algorithms indicate this variant is likely to affect gene or protein function. Given the available evidence, this variant is classified as Likely Pathogenic.

Dasa
Classification: Likely pathogenic. Last evaluated: 2026-01-13. Review status: criteria provided, single submitter. Criteria: DASA Assertion Criteria. Collection method: clinical testing. Allele origin: germline.
Comment: NM_000137.4(FAH):c.1210G>A (p.Gly404Ser) is a missense variant that results in the substitution of glycine with serine. This variant has been recurrently observed in individuals with FAH-related disorders (PMID: 21117323; PMID: 37795850; PMID: 25681080). Also, this variant is rare in population databases. Computational evidence supports a deleterious effect. Based on the currently available evidence, this variant is classified as likely pathogenic.

Blueprint Genetics
Classification: Uncertain significance. Last evaluated: 2024-10-24. Review status: criteria provided, single submitter. Criteria: ACMG Guidelines, 2015. Collection method: clinical testing. Allele origin: germline.

Labcorp Genetics (formerly Invitae), Labcorp
Classification: Pathogenic for Tyrosinemia type I. Last evaluated: 2024-01-25. Review status: criteria provided, single submitter. Criteria: Invitae Variant Classification Sherloc (09022015). Collection method: clinical testing. Allele origin: germline.
Comment: This sequence change replaces glycine, which is neutral and non-polar, with serine, which is neutral and polar, at codon 404 of the FAH protein (p.Gly404Ser). The frequency data for this variant in the population databases is considered unreliable, as metrics indicate poor data quality at this position in the gnomAD database. This missense change has been observed in individual(s) with tyrosinemia type I (PMID: 21117323, 27814443; Invitae). In at least one individual the data is consistent with being in trans (on the opposite chromosome) from a pathogenic variant. ClinVar contains an entry for this variant (Variation ID: 459903). Advanced modeling of protein sequence and biophysical properties (such as structural, functional, and spatial information, amino acid conservation, physicochemical variation, residue mobility, and thermodynamic stability) performed at Invitae indicates that this missense variant is not expected to disrupt FAH protein function with a negative predictive value of 80%. This variant disrupts the p.Gly404 amino acid residue in FAH. Other variant(s) that disrupt this residue have been determined to be pathogenic (Invitae). This suggests that this residue is clinically significant, and that variants that disrupt this residue are likely to be disease-causing. For these reasons, this variant has been classified as Pathogenic.

Institute of Human Genetics Munich, TUM University Hospital
Classification: Pathogenic for Tyrosinemia type I. Last evaluated: 2024-01-18. Review status: criteria provided, single submitter. Criteria: Classification criteria August 2017. Collection method: clinical testing. Allele origin: germline. Inheritance: Autosomal recessive inheritance. Affected: yes. Observed: 1 variant allele.

GeneDx
Classification: Likely pathogenic. Last evaluated: 2023-05-11. Review status: criteria provided, single submitter. Criteria: GeneDx Variant Classification Process June 2021. Collection method: clinical testing. Allele origin: germline. Affected: yes.
Comment: Reported in patients with tyrosinemia type I in published literature, including at least one who has a second FAH variant (Vondrckov et al., 2010; Angileri et al., 2015; Mannion et al., 2016); Not observed at significant frequency in large population cohorts (gnomAD); In silico analysis supports that this missense variant has a deleterious effect on protein structure/function; This variant is associated with the following publications: (PMID: 21117323, 25681080, 27814443)

3billion
Classification: Likely pathogenic for Tyrosinemia type I. Last evaluated: 2023-02-23. Review status: criteria provided, single submitter. Criteria: ACMG Guidelines, 2015. Collection method: clinical testing. Allele origin: unknown. Affected: yes.
Comment: The variant is observed at an extremely low frequency in the gnomAD v2.1.1 dataset (total allele frequency: 0.001%). In silico tool predictions suggest damaging effect of the variant on gene or gene product (REVEL: 0.97; 3Cnet: 0.51). Same nucleotide change resulting in same amino acid change has been previously reported as pathogenic/likely pathogenic with strong evidence (ClinVar ID: VCV000459903). A different missense change at the same codon (p.Gly404Arg) has been reported to be associated with FAH -related disorder (ClinVar ID: VCV001348938). Therefore, this variant is classified as Likely pathogenic according to the recommendation of ACMG/AMP guideline.

CeGaT Center for Human Genetics Tuebingen
Classification: Pathogenic. Last evaluated: 2020-02-01. Review status: criteria provided, single submitter. Criteria: CeGaT Center For Human Genetics Tuebingen Variant Classification Criteria Version 2. Collection method: clinical testing. Allele origin: germline. Affected: yes. Observed: 1 variant allele.

Clinical Genetics Service, Universitary Hospital 12 de Octubre
Classification: Pathogenic for Tyrosinemia type I. Review status: criteria provided, single submitter. Criteria: ACMG Guidelines, 2015. Collection method: clinical testing. Allele origin: germline. Affected: yes.

Juno Genomics, Hangzhou Juno Genomics, Inc
Classification: Likely pathogenic for Tyrosinemia type I. Review status: criteria provided, single submitter. Criteria: ACMG Guidelines, 2015. Collection method: clinical testing. Allele origin: germline.
Comment: Absent from controls (or at extremely low frequency if recessive) in Genome Aggregation Database.;Multiple lines of computational evidence support a deleterious effect on the gene or gene product.;For recessive disorders, detected in trans with a pathogenic variant.;Patient's phenotype or family history is highly specific for a disease with a single genetic etiology.

Literature cited by the submitters: PubMed 37688338 (cited by Natera, Inc.); PubMed 27814443 (cited by Natera, Inc. and Labcorp Genetics (formerly Invitae), Labcorp); PubMed 21117323 (cited by Dasa and Labcorp Genetics (formerly Invitae), Labcorp); PubMed 37795850 (cited by Dasa); PubMed 25681080 (cited by Dasa).

NM_000137.4(FAH):c.1210G>A (p.Gly404Ser)

Gene: FAH (fumarylacetoacetate hydrolase; plus strand). Cytogenetic location: 15q25.1.
Variant type: single nucleotide variant.
Coding change: c.1210G>A on transcript NM_000137.4 (MANE Select); coding-DNA position 1210, G replaced by A.
Protein change: p.Gly404Ser; replaces glycine 404 with serine.
Molecular consequence: missense variant.
Genome position (GRCh38, 1-based): chr15:80,186,159, G>A. VCF-style: chr15-80186159-G-A. GRCh37 (hg19) VCF-style: chr15-80478501-G-A.
Other names: c.1210G>A, p.Gly404Ser (NM_001374377.1, NM_001374380.1); short protein forms G404S.
Identifiers: ClinVar variation 459903 (VCV000459903.60), dbSNP rs1297118863, ClinGen allele CA393622185.